The following is an entry in ClinVar:

NM_052989.3(IFT122):c.3698G>A (p.Arg1233His)

Gene: IFT122 (intraflagellar transport 122; plus strand). Cytogenetic location: 3q22.1.
Variant type: single nucleotide variant.
Coding change: c.3698G>A on transcript NM_052989.3 (MANE Select); coding-DNA position 3698, G replaced by A.
Protein change: p.Arg1233His; replaces arginine 1233 with histidine.
Molecular consequence: missense variant.
Genome position (GRCh38, 1-based): chr3:129,520,237, G>A. VCF-style: chr3-129520237-G-A. GRCh37 (hg19) VCF-style: chr3-129239080-G-A.
Other names: c.3677G>A, p.Arg1226His (NM_001280541.2); c.3248G>A, p.Arg1083His (NM_001280545.2); c.3071G>A, p.Arg1024His (NM_001280546.2); c.3521G>A, p.Arg1174His (NM_018262.4); c.3851G>A, p.Arg1284His (NM_052985.4); c.3368G>A, p.Arg1123His (NM_052990.3); c.3851G>A (NM_052985.2); short protein forms R1226H, R1174H, R1233H, R1284H, R1024H, R1083H, R1123H.
Identifiers: ClinVar variation 902060 (VCV000902060.7), dbSNP rs201755623, ClinGen allele CA2607013.

ClinVar aggregate classification (germline): Uncertain significance. Review status: criteria provided, multiple submitters, no conflicts (2 of 4 stars). 4 submissions from 4 submitters: Uncertain significance (4). Last evaluated 2023-12-31.

Conditions:
Inborn genetic diseases. Identifiers: MedGen C0950123, MeSH D030342.
Cranioectodermal dysplasia 1 (CED1). Also called: LEVIN SYNDROME I. Identifiers: Orphanet 1515, MedGen C0432235, MONDO:0021093, OMIM 218330.

Allele frequency attached by ClinVar (database versions not stated): ESP Exome Variant Server 0.00008; gnomAD 0.00009; TOPMed 0.00009; gnomAD exomes 0.00014; 1000 Genomes Project 30x 0.00016; 1000 Genomes Project 0.00020; ExAC 0.00023.
gnomAD v4.1: 169 of 1,610,838 alleles (0.01%); highest among the groups gnomAD compares: Admixed American, 0.018%; no homozygotes.

Submissions (4):

Ambry Genetics
Classification: Uncertain significance for Inborn genetic diseases. Last evaluated: 2023-12-31. Review status: criteria provided, single submitter. Criteria: Ambry Variant Classification Scheme 2023. Collection method: clinical testing. Allele origin: germline.

Labcorp Genetics (formerly Invitae), Labcorp
Classification: Uncertain significance for Cranioectodermal dysplasia 1. Last evaluated: 2022-07-22. Review status: criteria provided, single submitter. Criteria: Invitae Variant Classification Sherloc (09022015). Collection method: clinical testing. Allele origin: germline.
Comment: This sequence change replaces arginine, which is basic and polar, with histidine, which is basic and polar, at codon 1284 of the IFT122 protein (p.Arg1284His). This variant is present in population databases (rs201755623, gnomAD 0.02%). This variant has not been reported in the literature in individuals affected with IFT122-related conditions. ClinVar contains an entry for this variant (Variation ID: 902060). Algorithms developed to predict the effect of missense changes on protein structure and function are either unavailable or do not agree on the potential impact of this missense change (SIFT: "Tolerated"; PolyPhen-2: "Probably Damaging"; Align-GVGD: "Class C0"). In summary, the available evidence is currently insufficient to determine the role of this variant in disease. Therefore, it has been classified as a Variant of Uncertain Significance.

Fulgent Genetics
Classification: Uncertain significance for Cranioectodermal dysplasia 1. Last evaluated: 2022-02-01. Review status: criteria provided, single submitter. Criteria: ACMG Guidelines, 2015. Collection method: clinical testing. Allele origin: unknown.

Illumina Laboratory Services, Illumina
Classification: Uncertain significance for Cranioectodermal dysplasia 1. Last evaluated: 2018-01-12. Review status: criteria provided, single submitter. Criteria: ICSL Variant Classification Criteria 13 December 2019. Collection method: clinical testing. Allele origin: germline.